The following is an entry in ClinVar:

ClinVar aggregate classification (germline): Uncertain significance. Review status: criteria provided, multiple submitters, no conflicts (2 of 4 stars). 2 submissions from 2 submitters: Uncertain significance (2). Last evaluated 2025-09-07.

Conditions:
Generalized epilepsy with febrile seizures plus, type 7 (GEFSP7). Also called: GEFS+, TYPE 7. Identifiers: Orphanet 36387, MedGen C2751778, MONDO:0013470, OMIM 613863.
Neuropathy, hereditary sensory and autonomic, type 2A (HSAN2A). Also called: HSAN IIA; ACROOSTEOLYSIS, GIACCAI TYPE; ACROOSTEOLYSIS, NEUROGENIC; MORVAN DISEASE; NEUROPATHY, CONGENITAL SENSORY; NEUROPATHY, HEREDITARY SENSORY RADICULAR, AUTOSOMAL RECESSIVE. Identifiers: Orphanet 970, MedGen C2752089, MONDO:0024309, OMIM 201300.

Allele frequency attached by ClinVar (database versions not stated): gnomAD exomes below 0.00001; TOPMed below 0.00001.
gnomAD v4.1: 2 of 1,614,098 alleles (0.00012%); highest among the groups gnomAD compares: Non-Finnish European, 0.000085%; no homozygotes.

Submissions (2):

Labcorp Genetics (formerly Invitae), Labcorp
Classification: Uncertain significance for Neuropathy, hereditary sensory and autonomic, type 2A; Generalized epilepsy with febrile seizures plus, type 7. Last evaluated: 2025-09-07. Review status: criteria provided, single submitter. Criteria: Invitae Variant Classification Sherloc (09022015). Collection method: clinical testing. Allele origin: germline.
Comment: This sequence change replaces arginine, which is basic and polar, with cysteine, which is neutral and slightly polar, at codon 1849 of the SCN9A protein (p.Arg1849Cys). This variant is not present in population databases (gnomAD no frequency). This variant has not been reported in the literature in individuals affected with SCN9A-related conditions. ClinVar contains an entry for this variant (Variation ID: 1057666). Invitae Evidence Modeling of protein sequence and biophysical properties (such as structural, functional, and spatial information, amino acid conservation, physicochemical variation, residue mobility, and thermodynamic stability) indicates that this missense variant is not expected to disrupt SCN9A protein function with a negative predictive value of 95%. Algorithms developed to predict the effect of sequence changes on RNA splicing suggest that this variant may create or strengthen a splice site. In summary, the available evidence is currently insufficient to determine the role of this variant in disease. Therefore, it has been classified as a Variant of Uncertain Significance.

GeneDx
Classification: Uncertain significance. Last evaluated: 2019-06-18. Review status: criteria provided, single submitter. Criteria: GeneDx Variant Classification Process June 2021. Collection method: clinical testing. Allele origin: germline. Affected: yes.
Comment: Not observed in large population cohorts (Lek et al., 2016); In silico analysis, which includes protein predictors and evolutionary conservation, supports a deleterious effect; Has not been previously published as pathogenic or benign to our knowledge

NM_001365536.1(SCN9A):c.5578C>T (p.Arg1860Cys)

Genes: SCN9A (sodium voltage-gated channel alpha subunit 9; minus strand), SCN1A-AS1 (SCN1A and SCN9A antisense RNA 1; plus strand). Cytogenetic location: 2q24.3.
Variant type: single nucleotide variant.
Coding change: c.5578C>T on transcript NM_001365536.1 (MANE Select); coding-DNA position 5578, C replaced by T.
Protein change: p.Arg1860Cys; replaces arginine 1860 with cysteine.
Molecular consequence: missense variant.
Genome position (GRCh38, 1-based): chr2:166,199,061, G>A on the plus strand (C>T on the coding strand, the complement: SCN9A is on the minus strand). VCF-style: chr2-166199061-G-A. GRCh37 (hg19) VCF-style: chr2-167055571-G-A.
Other names: c.5545C>T, p.Arg1849Cys (NM_002977.4); short protein forms R1849C, R1860C.
Identifiers: ClinVar variation 1057666 (VCV001057666.11), dbSNP rs200494490, ClinGen allele CA59783259.
Genomic context (GRCh38, chr2:166,199,061, plus strand): 5'-TGGGTTCATAGGACACTTTGGAAGGATTTGCAGACATGAACCTTTCTTCCATCTGTGAAC[G>A]AAGAGAATCCATCTCCCCACTCTCACCCAAAACACGCTTTGTAAAAGCAAATAAGATGTC-3'
Protein context (NP_001352465.1, residues 1850-1870): LGESGEMDSL[Arg1860Cys]SQMEERFMSA